The following is an entry in ClinVar:

NM_001128.6(AP1G1):c.377dup (p.Gly127fs)

Gene: AP1G1 (adaptor related protein complex 1 subunit gamma 1; minus strand). Cytogenetic location: 16q22.2.
Variant type: Duplication.
Coding change: c.377dup on transcript NM_001128.6 (MANE Select); coding-DNA position 377, one base duplicated (T; older notation c.377dupT).
Protein change: p.Gly127fs; shifts the reading frame from glycine 127.
Molecular consequence: frameshift variant.
Genome position (GRCh38, 1-based): chr16:71,773,312, A duplicated on the plus strand (T on the coding strand, the reverse complement: AP1G1 is on the minus strand). VCF-style (leftmost placement, unchanged base first): chr16-71773311-G-GA. GRCh37 (hg19) VCF-style: chr16-71807214-G-GA.
Other names: c.377dup, p.Gly127fs (NM_001030007.2); short protein forms G127fs.
Identifiers: ClinVar variation 5005632 (VCV005005632.2).

ClinVar aggregate classification (germline): Uncertain significance (1 of 4 stars; one submission).

Conditions:
Usmani-Riazuddin syndrome, autosomal dominant (USRISD). Identifiers: MedGen C5561952, MONDO:0859174, OMIM 619467.

Submission:

Juno Genomics, Hangzhou Juno Genomics, Inc
Classification: Uncertain significance for Usmani-Riazuddin syndrome, autosomal dominant. Review status: criteria provided, single submitter. Criteria: ACMG Guidelines, 2015. Collection method: clinical testing. Allele origin: germline.
Comment: Null variant in a gene where loss of function (LOF) is a known mechanism of disease.;Absent from controls (or at extremely low frequency if recessive) in Genome Aggregation Database.